The following is an entry in ClinVar:

ClinVar aggregate classification (germline): Uncertain significance. Review status: criteria provided, multiple submitters, no conflicts (2 of 4 stars). 3 submissions from 3 submitters: Uncertain significance (2). 1 of the submissions does not count toward it. Last evaluated 2025-04-20.

Conditions:
Inborn genetic diseases. Identifiers: MedGen C0950123, MeSH D030342.
Schimke immuno-osseous dysplasia (SIOD). Also called: Schimke Immunoosseous Dysplasia. Identifiers: Orphanet 1830, MedGen C0877024, MONDO:0009458, OMIM 242900.

Allele frequency attached by ClinVar (database versions not stated): gnomAD 0.00001; TOPMed 0.00002.
gnomAD v4.1: 30 of 1,598,026 alleles (0.0019%); highest among the groups gnomAD compares: African/African-American, 0.0027%; no homozygotes.

Submissions (3):

Ambry Genetics
Classification: Uncertain significance for Inborn genetic diseases. Last evaluated: 2025-04-20. Review status: criteria provided, single submitter. Criteria: Ambry Variant Classification Scheme 2023. Collection method: clinical testing. Allele origin: germline.

Labcorp Genetics (formerly Invitae), Labcorp
Classification: Uncertain significance for Schimke immuno-osseous dysplasia. Last evaluated: 2022-07-06. Review status: criteria provided, single submitter. Criteria: Invitae Variant Classification Sherloc (09022015). Collection method: clinical testing. Allele origin: germline.
Comment: This sequence change replaces valine, which is neutral and non-polar, with methionine, which is neutral and non-polar, at codon 833 of the SMARCAL1 protein (p.Val833Met). The frequency data for this variant in the population databases is considered unreliable, as metrics indicate poor data quality at this position in the gnomAD database. This variant has not been reported in the literature in individuals affected with SMARCAL1-related conditions. ClinVar contains an entry for this variant (Variation ID: 649705). Algorithms developed to predict the effect of missense changes on protein structure and function are either unavailable or do not agree on the potential impact of this missense change (SIFT: "Deleterious"; PolyPhen-2: "Probably Damaging"; Align-GVGD: "Class C0"). In summary, the available evidence is currently insufficient to determine the role of this variant in disease. Therefore, it has been classified as a Variant of Uncertain Significance.

Natera, Inc.
Classification: Uncertain significance for Schimke immuno-osseous dysplasia. Last evaluated: 2020-09-24. Review status: no assertion criteria provided. Collection method: clinical testing. Allele origin: germline. Not counted in ClinVar's aggregate classification.

NM_014140.4(SMARCAL1):c.2497G>A (p.Val833Met)

Gene: SMARCAL1 (SNF2 related chromatin remodeling annealing helicase 1; plus strand). Cytogenetic location: 2q35.
Variant type: single nucleotide variant.
Coding change: c.2497G>A on transcript NM_014140.4 (MANE Select); coding-DNA position 2497, G replaced by A.
Protein change: p.Val833Met; replaces valine 833 with methionine.
Molecular consequence: missense variant.
Genome position (GRCh38, 1-based): chr2:216,477,178, G>A. VCF-style: chr2-216477178-G-A. GRCh37 (hg19) VCF-style: chr2-217341901-G-A.
Other names: c.2497G>A, p.Val833Met (NM_001127207.2); short protein forms V833M.
Identifiers: ClinVar variation 649705 (VCV000649705.9), dbSNP rs756015461, ClinGen allele CA2098217.